The following is an entry in ClinVar:

ClinVar aggregate classification (germline): Uncertain significance. Review status: criteria provided, multiple submitters, no conflicts (2 of 4 stars). 2 submissions from 2 submitters: Uncertain significance (2). Last evaluated 2022-12-16.

Conditions:
HYPERHOMOCYSTEINEMIA, THROMBOTIC, CBS-RELATED. Identifiers: MedGen C3150344, OMIM 236200.
Familial thoracic aortic aneurysm and aortic dissection (TAAD). Also called: Thoracic aortic aneurysms and dissections. Identifiers: Orphanet 91387, MedGen C4707243, MONDO:0019625.

Submissions (2):

Ambry Genetics
Classification: Uncertain significance for Familial thoracic aortic aneurysm and aortic dissection. Last evaluated: 2022-12-16. Review status: criteria provided, single submitter. Criteria: Ambry Variant Classification Scheme 2023. Collection method: clinical testing. Allele origin: germline.
Comment: The p.A8V variant (also known as c.23C>T), located in coding exon 1 of the CBS gene, results from a C to T substitution at nucleotide position 23. The alanine at codon 8 is replaced by valine, an amino acid with similar properties. This amino acid position is conserved. In addition, this alteration is predicted to be tolerated by in silico analysis. Since supporting evidence is limited at this time, the clinical significance of this alteration remains unclear.

Labcorp Genetics (formerly Invitae), Labcorp
Classification: Uncertain significance for HYPERHOMOCYSTEINEMIA, THROMBOTIC, CBS-RELATED. Last evaluated: 2022-12-02. Review status: criteria provided, single submitter. Criteria: Invitae Variant Classification Sherloc (09022015). Collection method: clinical testing. Allele origin: germline.
Comment: This variant has not been reported in the literature in individuals affected with CBS-related conditions. In summary, the available evidence is currently insufficient to determine the role of this variant in disease. Therefore, it has been classified as a Variant of Uncertain Significance. Advanced modeling of protein sequence and biophysical properties (such as structural, functional, and spatial information, amino acid conservation, physicochemical variation, residue mobility, and thermodynamic stability) performed at Invitae indicates that this missense variant is not expected to disrupt CBS protein function. ClinVar contains an entry for this variant (Variation ID: 1045563). This variant is not present in population databases (gnomAD no frequency). This sequence change replaces alanine, which is neutral and non-polar, with valine, which is neutral and non-polar, at codon 8 of the CBS protein (p.Ala8Val).

NM_000071.3(CBS):c.23C>T (p.Ala8Val)

Gene: CBS (cystathionine beta-synthase; minus strand). Cytogenetic location: 21q22.3.
Variant type: single nucleotide variant.
Coding change: c.23C>T on transcript NM_000071.3 (MANE Select); coding-DNA position 23, C replaced by T.
Protein change: p.Ala8Val; replaces alanine 8 with valine.
Molecular consequence: missense variant.
Genome position (GRCh38, 1-based): chr21:43,072,171, G>A on the plus strand (C>T on the coding strand, the complement: CBS is on the minus strand). VCF-style: chr21-43072171-G-A. GRCh37 (hg19) VCF-style: chr21-44492281-G-A.
Other names: c.23C>T (NM_000071.2); c.23C>T, p.Ala8Val (NM_001178008.3, NM_001178009.3, NM_001320298.2); short protein forms A8V.
Identifiers: ClinVar variation 1045563 (VCV001045563.12), dbSNP rs919403971, ClinGen allele CA410602599.